The following is an entry in ClinVar:

NM_007194.4(CHEK2):c.1135T>C (p.Ser379Pro)

Gene: CHEK2 (checkpoint kinase 2; minus strand). Cytogenetic location: 22q12.1.
Variant type: single nucleotide variant.
Coding change: c.1135T>C on transcript NM_007194.4 (MANE Select); coding-DNA position 1135, T replaced by C.
Protein change: p.Ser379Pro; replaces serine 379 with proline.
Molecular consequence: missense variant.
Genome position (GRCh38, 1-based): chr22:28,695,834, A>G on the plus strand (T>C on the coding strand, the complement: CHEK2 is on the minus strand). VCF-style: chr22-28695834-A-G. GRCh37 (hg19) VCF-style: chr22-29091822-A-G.
Other names: c.1264T>C, p.Ser422Pro (NM_001005735.3); c.472T>C, p.Ser158Pro (NM_001257387.3); c.934T>C, p.Ser312Pro (NM_001349956.3); c.1048T>C, p.Ser350Pro (NM_145862.3); short protein forms S158P, S312P, S350P, S379P, S422P.
Identifiers: ClinVar variation 1015524 (VCV001015524.9), dbSNP rs2052562867, ClinGen allele CA411096977.
Genomic context (GRCh38, chr22:28,695,834, plus strand): 5'-CAGAAACAAGAACTTCAGGCGCCAAGTAGGTGGGGGTTCCACATAAGGTTCTCATGAGAG[A>G]GGTCTCTCCCAAAATCTTGGAGTGCCCAAAATCAGTAATCTAAAATTCAGTACAAAAGGG-3'
Protein context (NP_009125.1, residues 369-389): FGHSKILGET[Ser379Pro]LMRTLCGTPT

ClinVar aggregate classification (germline): Uncertain significance (1 of 4 stars; one submission).

Conditions:
Familial cancer of breast. Also called: BREAST CANCER, FAMILIAL; Hereditary breast cancer; hereditary breast carcinoma. Identifiers: Orphanet 227535, MedGen C0346153, MONDO:0016419, OMIM 114480. Disease mechanism: loss of function.

Allele frequency attached by ClinVar (database versions not stated): gnomAD exomes below 0.00001.
gnomAD v4.1: 1 of 1,613,820 alleles (0.000062%); highest among the groups gnomAD compares: South Asian, 0.0011%; no homozygotes.

Submission:

Labcorp Genetics (formerly Invitae), Labcorp
Classification: Uncertain significance for Familial cancer of breast. Last evaluated: 2017-01-29. Review status: criteria provided, single submitter. Criteria: Invitae Variant Classification Sherloc (09022015). Collection method: clinical testing. Allele origin: germline.
Comment: In summary, this variant is a novel missense change with uncertain impact on protein function. It has been classified as a Variant of Uncertain Significance. Algorithms developed to predict the effect of missense changes on protein structure and function do not agree on the potential impact of this missense change (SIFT: "Deleterious"; PolyPhen-2: "Probably Damaging"; Align-GVGD: "Class C0"). This variant is not present in population databases (ExAC no frequency) and has not been reported in the literature in individuals with a CHEK2-related disease. This sequence change replaces serine with proline at codon 379 of the CHEK2 protein (p.Ser379Pro). The serine residue is highly conserved and there is a moderate physicochemical difference between serine and proline.